The following is an entry in ClinVar:

NM_001378902.1(ROS1):c.5759+4T>G

Gene: ROS1 (ROS proto-oncogene 1, receptor tyrosine kinase; minus strand). Cytogenetic location: 6q22.1.
Variant type: single nucleotide variant.
Coding change: c.5759+4T>G on transcript NM_001378902.1 (MANE Select); 4 bases into the intron after coding-DNA position 5759, T replaced by G.
Molecular consequence: intron variant.
Genome position (GRCh38, 1-based): chr6:117,321,255, A>C on the plus strand (T>G on the coding strand, the complement: ROS1 is on the minus strand). VCF-style: chr6-117321255-A-C. GRCh37 (hg19) VCF-style: chr6-117642418-A-C.
Other names: NC_000006.11:g.117642418A>C; c.5777+4T>G (NM_002944.3); c.5765+4T>G (NM_001378891.1).
Identifiers: ClinVar variation 3906131 (VCV003906131.11).

ClinVar aggregate classification (germline): Benign (1 of 4 stars; one submission).

gnomAD v4.1: 13,745 of 1,612,852 alleles (0.85%); highest among the groups gnomAD compares: Admixed American, 6.5%; 411 homozygotes.

Submissions (3):

CeGaT Center for Human Genetics Tuebingen
Classification: Benign. Last evaluated: 2025-06-01. Review status: criteria provided, single submitter. Criteria: CeGaT Center For Human Genetics Tuebingen Variant Classification Criteria Version 2. Collection method: clinical testing. Allele origin: germline. Affected: yes. Observed: 1 variant allele.
Comment: ROS1: BP4, BS1, BS2

Dr. Peter K. Rogan Lab, Western University
No classification provided (evidence only). Condition: Uterine corpus endometrial carcinoma. Review status: no classification provided. Collection method: in vitro. Allele origin: not applicable. Functional consequence: retained intron. Not counted in ClinVar's aggregate classification.

Dr. Peter K. Rogan Lab, Western University
No classification provided (evidence only). Condition: Gastric cancer. Review status: no classification provided. Collection method: in vitro. Allele origin: not applicable. Functional consequence: retained intron. Not counted in ClinVar's aggregate classification.